The following is an entry in ClinVar:

ClinVar aggregate classification (germline): Benign. Review status: criteria provided, single submitter (1 of 4 stars). 2 submissions from 2 submitters: Benign (1). 1 of the submissions does not count toward it. Last evaluated 2025-06-22.

Conditions:
DCDC1-related disorder. Also called: DCDC1-related condition.

Allele frequency attached by ClinVar (database versions not stated): ExAC 0.00287; 1000 Genomes Project 30x 0.00625; 1000 Genomes Project 0.00719; ESP Exome Variant Server 0.00023; gnomAD exomes 0.00087; gnomAD 0.00155; TOPMed 0.00176.
gnomAD v4.1: 1,537 of 1,571,134 alleles (0.098%); highest among the groups gnomAD compares: East Asian, 2.8%; 19 homozygotes.

Submissions (2):

Labcorp Genetics (formerly Invitae), Labcorp
Classification: Benign. Last evaluated: 2025-06-22. Review status: criteria provided, single submitter. Criteria: Invitae Variant Classification Sherloc (09022015). Collection method: clinical testing. Allele origin: germline.

PreventionGenetics, part of Exact Sciences
Classification: Benign for DCDC1-related condition. Last evaluated: 2019-10-02. Review status: no assertion criteria provided. Collection method: clinical testing. Allele origin: germline. Not counted in ClinVar's aggregate classification.
Comment: This variant is classified as benign based on ACMG/AMP sequence variant interpretation guidelines (Richards et al. 2015 PMID: 25741868, with internal and published modifications).

NM_001387274.1(DCDC1):c.20A>G (p.Glu7Gly)

Gene: DCDC1 (doublecortin domain containing 1; minus strand). Cytogenetic location: 11p13.
Variant type: single nucleotide variant.
Coding change: c.20A>G on transcript NM_001387274.1 (MANE Select); coding-DNA position 20, A replaced by G.
Protein change: p.Glu7Gly; replaces glutamic acid 7 with glycine.
Molecular consequence: missense variant. On other transcripts: non-coding transcript variant (1).
Genome position (GRCh38, 1-based): chr11:31,328,261, T>C on the plus strand (A>G on the coding strand, the complement: DCDC1 is on the minus strand). VCF-style: chr11-31328261-T-C. GRCh37 (hg19) VCF-style: chr11-31349808-T-C.
Other names: c.20A>G, p.Glu7Gly (NM_001367979.1, NM_181807.4); c.20A>G (NM_181807.3); short protein forms E7G.
Identifiers: ClinVar variation 1967410 (VCV001967410.7), dbSNP rs11031357, ClinGen allele CA5932745.